The following is an entry in ClinVar:

NM_014249.4(NR2E3):c.202_245+25dup

Gene: NR2E3 (nuclear receptor subfamily 2 group E member 3; plus strand). Cytogenetic location: 15q23.
Variant type: Duplication.
Coding change: c.202_245+25dup on transcript NM_014249.4 (MANE Select); coding-DNA position 202 through 25 bases into the intron after coding-DNA position 245, 69 bases duplicated.
Molecular consequence: splice donor variant.
Genome position (GRCh38, 1-based): chr15:71,811,566-71,811,634, 69 bases duplicated. GRCh37 (hg19): chr15:72,103,906-72,103,974.
Other names: c.202_245+25dup (NM_016346.4).
Identifiers: ClinVar variation 4738044 (VCV004738044.1).

ClinVar aggregate classification (germline): Uncertain significance (1 of 4 stars; one submission).

Submission:

Labcorp Genetics (formerly Invitae), Labcorp
Classification: Uncertain significance. Last evaluated: 2025-08-04. Review status: criteria provided, single submitter. Criteria: Invitae Variant Classification Sherloc (09022015). Collection method: clinical testing. Allele origin: germline.
Comment: This sequence change falls in intron 2 of the NR2E3 gene. It does not directly change the encoded amino acid sequence of the NR2E3 protein. This variant is not present in population databases (gnomAD no frequency). This variant has not been reported in the literature in individuals affected with NR2E3-related conditions. In summary, the available evidence is currently insufficient to determine the role of this variant in disease. Therefore, it has been classified as a Variant of Uncertain Significance.